The following is an entry in ClinVar:

ClinVar aggregate classification (germline): Pathogenic. Review status: reviewed by expert panel (3 of 4 stars). 2 submissions from 2 submitters: Pathogenic (1). 1 of the submissions does not count toward it. Last evaluated 2017-12-15.

Conditions:
Familial cancer of breast. Also called: hereditary breast carcinoma; BREAST CANCER, FAMILIAL; Hereditary breast cancer. Identifiers: Orphanet 227535, MedGen C0346153, MONDO:0016419, OMIM 114480. Disease mechanism: loss of function.
Breast-ovarian cancer, familial, susceptibility to, 1 (BROVCA1). Also called: BRCA1 Hereditary Breast and Ovarian Cancer; OVARIAN CANCER, SUSCEPTIBILITY TO. Identifiers: Orphanet 145, MedGen C2676676, MONDO:0011450, OMIM 604370. Disease mechanism: loss of function.

Submissions (2):

Evidence-based Network for the Interpretation of Germline Mutant Alleles (ENIGMA)
Classification: Pathogenic for Breast-ovarian cancer, familial, susceptibility to, 1. Last evaluated: 2017-12-15. Review status: reviewed by expert panel. Criteria: ENIGMA BRCA1/2 Classification Criteria (2017-06-29). Collection method: curation. Allele origin: germline. Study: ENIGMA.
Comment: Variant allele predicted to encode a truncated non-functional protein.

ClinVar Staff, National Center for Biotechnology Information (NCBI)
No classification provided. Condition: Familial cancer of breast. Review status: no classification provided. Collection method: literature only. Allele origin: germline. Affected: yes. Not counted in ClinVar's aggregate classification.

Literature cited by the submitters: PubMed 20858050 (cited by ClinVar Staff, National Center for Biotechnology Information (NCBI)).

NM_007294.4(BRCA1):c.3450dup (p.Asp1151Ter)

Genes: BRCA1 (BRCA1 DNA repair associated; minus strand), LOC126862571 (BRD4-independent group 4 enhancer GRCh37_chr17:41243136-41244335; plus strand). Cytogenetic location: 17q21.31.
Variant type: Duplication.
Coding change: c.3450dup on transcript NM_007294.4 (MANE Select); coding-DNA position 3450, one base duplicated (T; older notation c.3450dupT).
Protein change: p.Asp1151Ter; replaces aspartic acid 1151 with a stop codon.
Molecular consequence: nonsense. On other transcripts: intron variant (135), frameshift variant (1).
Genome position (GRCh38, 1-based): chr17:43,092,081, A duplicated on the plus strand (T on the coding strand, the reverse complement: BRCA1 is on the minus strand). VCF-style (leftmost placement, unchanged base first): chr17-43092080-C-CA. GRCh37 (hg19) VCF-style: chr17-41244097-C-CA.
Other names: c.3306dup, p.Asp1103Ter (NM_001407839.1, NM_001407841.1, NM_001407842.1 and 20 more transcripts); c.3309dup, p.Asp1104Ter (NM_001407850.1, NM_001407851.1, NM_001407852.1 and 29 more transcripts); c.3237dup, p.Asp1080Ter (NM_001407853.1, NM_001407894.1, NM_001407895.1 and 9 more transcripts); c.3450dup, p.Asp1151Ter (NM_001407854.1, NM_001407858.1, NM_001407859.1 and 30 more transcripts); c.3447dup, p.Asp1150Ter (NM_001407860.1, NM_001407861.1, NM_001407587.1 and 22 more transcripts); c.3249dup, p.Asp1084Ter (NM_001407862.1); c.3327dup, p.Asp1110Ter (NM_001407863.1, NM_001407919.1, NM_001407937.1 and 19 more transcripts); c.3246dup, p.Asp1083Ter (NM_001407874.1, NM_001407875.1); and 42 more; short protein forms D1104*, D1151*, D1023*, D1040*, D1081*, D1083*, D1084*, D1109*.
Identifiers: ClinVar variation 54889 (VCV000054889.3), dbSNP rs397509069, ClinGen allele CA327868.